The following is an entry in ClinVar:

ClinVar aggregate classification (germline): Uncertain significance. Review status: criteria provided, multiple submitters, no conflicts (2 of 4 stars). 7 submissions from 7 submitters: Uncertain significance (7). Last evaluated 2025-04-30.

Conditions:
Hereditary cancer-predisposing syndrome. Also called: Neoplastic Syndromes, Hereditary; Tumor predisposition; Hereditary Cancer Syndrome; Hereditary neoplastic syndrome. Identifiers: Orphanet 140162, MedGen C0027672, MeSH D009386, MONDO:0015356.
Mismatch repair cancer syndrome 1 (MMRCS1). Also called: BRAIN TUMOR-POLYPOSIS SYNDROME 1; BTP1 SYNDROME; CHILDHOOD CANCER SYNDROME; MISMATCH REPAIR DEFICIENCY; MMR DEFICIENCY. Identifiers: Orphanet 252202, MedGen C5399763, MONDO:0010159, OMIM 276300. Disease mechanism: loss of function.
Lynch syndrome 4 (LYNCH4). Also called: Colorectal cancer, hereditary nonpolyposis, type 4; Hereditary non-polyposis colorectal cancer, type 4. Identifiers: Orphanet 144, MedGen C1838333, MONDO:0013699, OMIM 614337. Disease mechanism: loss of function.
Lynch syndrome. Identifiers: Orphanet 144, MedGen C4552100, MONDO:0005835. Disease mechanism: loss of function.
Hereditary nonpolyposis colorectal neoplasms. Identifiers: MedGen C0009405, MeSH D003123.

Allele frequency attached by ClinVar (database versions not stated): gnomAD exomes below 0.00001 and 0.00001; ExAC 0.00001; TOPMed 0.00001.
gnomAD v4.1: 3 of 1,614,118 alleles (0.00019%); highest among the groups gnomAD compares: Non-Finnish European, 0.00025%; no homozygotes.

Submissions (7):

Labcorp Genetics (formerly Invitae), Labcorp
Classification: Uncertain significance for Hereditary nonpolyposis colorectal neoplasms. Last evaluated: 2025-04-30. Review status: criteria provided, single submitter. Criteria: Invitae Variant Classification Sherloc (09022015). Collection method: clinical testing. Allele origin: germline.
Comment: This sequence change replaces lysine, which is basic and polar, with asparagine, which is neutral and polar, at codon 224 of the PMS2 protein (p.Lys224Asn). This variant is present in population databases (rs748141595, gnomAD 0.0009%). This variant has not been reported in the literature in individuals affected with PMS2-related conditions. ClinVar contains an entry for this variant (Variation ID: 484292). Invitae Evidence Modeling incorporating data from in vitro experimental studies (internal data) indicates that this missense variant is not expected to disrupt PMS2 function with a negative predictive value of 95%. In summary, the available evidence is currently insufficient to determine the role of this variant in disease. Therefore, it has been classified as a Variant of Uncertain Significance.

Center for Genomic Medicine, Rigshospitalet, Copenhagen University Hospital
Classification: Uncertain significance. Last evaluated: 2025-03-04. Review status: criteria provided, single submitter. Criteria: ACMG Guidelines, 2015. Collection method: clinical testing. Allele origin: germline.

Quest Diagnostics Nichols Institute San Juan Capistrano
Classification: Uncertain significance. Last evaluated: 2024-10-25. Review status: criteria provided, single submitter. Criteria: Quest Diagnostics criteria. Collection method: clinical testing. Allele origin: unknown.
Comment: The PMS2 c.672G>C (p.Lys224Asn) variant has been reported in the published literature in four reportedly healthy individuals and no breast cancer cases (PMID: 33471991 (2021), see also LOVD). The frequency of this variant in the general population, 0.000004 (1/251490 chromosomes (Genome Aggregation Database)), is uninformative in the assessment of its pathogenicity. Analysis of this variant using bioinformatics tools for the prediction of the effect of amino acid changes on protein structure and function yielded conflicting predictions that this variant is benign or damaging. Based on the available information, we are unable to determine the clinical significance of this variant.

All of Us Research Program, National Institutes of Health
Classification: Uncertain significance for Lynch syndrome. Last evaluated: 2024-08-13. Review status: criteria provided, single submitter. Criteria: ACMG Guidelines, 2015. Collection method: clinical testing. Allele origin: germline. Inheritance: Autosomal dominant inheritance. Observed: 1 variant allele, 1 heterozygote.
Comment: This missense variant replaces lysine with asparagine at codon 224 of the PMS2 protein. Computational prediction suggests that this variant may not impact protein structure and function (internally defined REVEL score threshold <= 0.5, PMID: 27666373). To our knowledge, functional studies have not been reported for this variant. This variant has not been reported in individuals affected with PMS2-related disorders in the literature. This variant has been identified in 1/251490 chromosomes in the general population by the Genome Aggregation Database (gnomAD). The available evidence is insufficient to determine the role of this variant in disease conclusively. Therefore, this variant is classified as a Variant of Uncertain Significance.

This study involves interpretation of variants in research participants for the purpose of population health screening. Participant phenotype was not available at the time of variant classification. Additional details can be found in publication PMID: 35346344, PMCID: PMC8962531

Color Diagnostics, LLC DBA Color Health
Classification: Uncertain significance for Hereditary cancer-predisposing syndrome. Last evaluated: 2024-07-24. Review status: criteria provided, single submitter. Criteria: ACMG Guidelines, 2015. Collection method: clinical testing. Allele origin: germline.
Comment: This missense variant replaces lysine with asparagine at codon 224 of the PMS2 protein. Computational prediction suggests that this variant may not impact protein structure and function (internally defined REVEL score threshold <= 0.5, PMID: 27666373). To our knowledge, functional studies have not been reported for this variant. This variant has not been reported in individuals affected with PMS2-related disorders in the literature. This variant has been identified in 1/251490 chromosomes in the general population by the Genome Aggregation Database (gnomAD). The available evidence is insufficient to determine the role of this variant in disease conclusively. Therefore, this variant is classified as a Variant of Uncertain Significance.

Ambry Genetics
Classification: Uncertain significance for Hereditary cancer-predisposing syndrome. Last evaluated: 2023-10-30. Review status: criteria provided, single submitter. Criteria: Ambry Variant Classification Scheme 2023. Collection method: clinical testing. Allele origin: germline.
Comment: The p.K224N variant (also known as c.672G>C), located in coding exon 6 of the PMS2 gene, results from a G to C substitution at nucleotide position 672. The lysine at codon 224 is replaced by asparagine, an amino acid with similar properties. This amino acid position is well conserved in available vertebrate species. In addition, this alteration is predicted to be tolerated by in silico analysis. Since supporting evidence is limited at this time, the clinical significance of this alteration remains unclear.

Fulgent Genetics
Classification: Uncertain significance for Mismatch repair cancer syndrome 1; Lynch syndrome 4. Last evaluated: 2018-10-31. Review status: criteria provided, single submitter. Criteria: ACMG Guidelines, 2015. Collection method: clinical testing. Allele origin: unknown.

Literature cited by the submitters: PubMed 33471991 (cited by Quest Diagnostics Nichols Institute San Juan Capistrano).

NM_000535.7(PMS2):c.672G>C (p.Lys224Asn)

Gene: PMS2 (PMS1 homolog 2, mismatch repair system component; minus strand). Cytogenetic location: 7p22.1.
Variant type: single nucleotide variant.
Coding change: c.672G>C on transcript NM_000535.7 (MANE Select); coding-DNA position 672, G replaced by C.
Protein change: p.Lys224Asn; replaces lysine 224 with asparagine.
Molecular consequence: missense variant. On other transcripts: 5 prime UTR variant (2), non-coding transcript variant (1), intron variant (1).
Genome position (GRCh38, 1-based): chr7:5,999,141, C>G on the plus strand (G>C on the coding strand, the complement: PMS2 is on the minus strand). VCF-style: chr7-5999141-C-G. GRCh37 (hg19) VCF-style: chr7-6038772-C-G.
Other names: c.267G>C, p.Lys89Asn (NM_001322003.2, NM_001322004.2, NM_001322005.2 and 2 more transcripts); c.672G>C, p.Lys224Asn (NM_001322006.2, NM_001322014.2); c.354G>C, p.Lys118Asn (NM_001322007.2, NM_001322008.2); c.-262G>C (NM_001322011.2, NM_001322012.2); c.363G>C, p.Lys121Asn (NM_001322015.2); c.133-1718G>C (NM_001322013.2); short protein forms K224N, K89N, K121N, K118N.
Identifiers: ClinVar variation 484292 (VCV000484292.18), dbSNP rs748141595, ClinGen allele CA050851.
Genomic context (GRCh38, chr7:5,999,141, plus strand): 5'-GGCGTTGAAGTAACCGGCCATCACTACCTGCTTCTGCCCAAACACAGAGCCGATATTTTC[C>G]TTTATGCTGGGGCTTCCACCTGTGCATACCACAGGCTGTCGTTTTCCTTGTCCAAGCTGA-3'
Protein context (NP_000526.2, residues 214-234): VVCTGGSPSI[Lys224Asn]ENIGSVFGQK